The following is an entry in ClinVar:

NM_032119.4(ADGRV1):c.12869G>A (p.Arg4290His)

Gene: ADGRV1 (adhesion G protein-coupled receptor V1; plus strand). Cytogenetic location: 5q14.3.
Variant type: single nucleotide variant.
Coding change: c.12869G>A on transcript NM_032119.4 (MANE Select); coding-DNA position 12869, G replaced by A.
Protein change: p.Arg4290His; replaces arginine 4290 with histidine.
Molecular consequence: missense variant. On other transcripts: non-coding transcript variant (1).
Genome position (GRCh38, 1-based): chr5:90,778,884, G>A. VCF-style: chr5-90778884-G-A. GRCh37 (hg19) VCF-style: chr5-90074701-G-A.
Other names: short protein forms R4290H.
Identifiers: ClinVar variation 228709 (VCV000228709.12), dbSNP rs762515714, ClinGen allele CA3341370.

ClinVar aggregate classification (germline): Uncertain significance. Review status: criteria provided, multiple submitters, no conflicts (2 of 4 stars). 5 submissions from 5 submitters: Uncertain significance (4). 1 of the submissions does not count toward it. Last evaluated 2024-11-11.

Conditions:
ADGRV1-related disorder. Also called: ADGRV1-related condition; ADGRV1-related disorders.
Inborn genetic diseases. Identifiers: MedGen C0950123, MeSH D030342.

Allele frequency attached by ClinVar (database versions not stated): gnomAD 0.00002; TOPMed 0.00002; ExAC 0.00004; gnomAD exomes 0.00004.
gnomAD v4.1: 31 of 1,612,268 alleles (0.0019%); highest among the groups gnomAD compares: Middle Eastern, 0.016%; no homozygotes.

Submissions (5):

Labcorp Genetics (formerly Invitae), Labcorp
Classification: Uncertain significance. Last evaluated: 2024-11-11. Review status: criteria provided, single submitter. Criteria: Invitae Variant Classification Sherloc (09022015). Collection method: clinical testing. Allele origin: germline.
Comment: This sequence change replaces arginine, which is basic and polar, with histidine, which is basic and polar, at codon 4290 of the ADGRV1 protein (p.Arg4290His). This variant is present in population databases (rs762515714, gnomAD 0.01%). This variant has not been reported in the literature in individuals affected with ADGRV1-related conditions. ClinVar contains an entry for this variant (Variation ID: 228709). Invitae Evidence Modeling of protein sequence and biophysical properties (such as structural, functional, and spatial information, amino acid conservation, physicochemical variation, residue mobility, and thermodynamic stability) indicates that this missense variant is not expected to disrupt ADGRV1 protein function with a negative predictive value of 80%. In summary, the available evidence is currently insufficient to determine the role of this variant in disease. Therefore, it has been classified as a Variant of Uncertain Significance.

Blueprint Genetics
Classification: Uncertain significance. Last evaluated: 2024-03-19. Review status: criteria provided, single submitter. Criteria: ACMG Guidelines, 2015. Collection method: clinical testing. Allele origin: germline.

Ambry Genetics
Classification: Uncertain significance for Inborn genetic diseases. Last evaluated: 2022-10-03. Review status: criteria provided, single submitter. Criteria: Ambry Variant Classification Scheme 2023. Collection method: clinical testing. Allele origin: germline.

Laboratory for Molecular Medicine, Mass General Brigham Personalized Medicine
Classification: Uncertain significance. Last evaluated: 2016-03-03. Review status: criteria provided, single submitter. Criteria: LMM Criteria. Collection method: clinical testing. Allele origin: germline. Observed: 1 variant allele.
Comment: Variant classified as Uncertain Significance - Favor Benign. This variant has been identified in 0. 21% (140/66732) of European chromosomes by the Exome Aggregation Consortium (ExA C; dbSNP rs149617956). Although this variant has been seen in the general population, its frequency is not high enough to rule o ut a pathogenic role. Computational prediction tools and conservation analysis d o not provide strong support for or against an impact to the protein. In summary , while the clinical significance of the p.Glu419Lys variant is uncertain, its f requency in the general population suggests that it is more likely to be benign.

PreventionGenetics, part of Exact Sciences
Classification: Uncertain significance for ADGRV1-related condition. Last evaluated: 2024-09-15. Review status: no assertion criteria provided. Collection method: clinical testing. Allele origin: germline. Not counted in ClinVar's aggregate classification.
Comment: The ADGRV1 c.12869G>A variant is predicted to result in the amino acid substitution p.Arg4290His. To our knowledge, this variant has not been reported in the literature. This variant is reported in 0.013% of alleles in individuals of African descent in gnomAD. At this time, the clinical significance of this variant is uncertain due to the absence of conclusive functional and genetic evidence.